The following is an entry in ClinVar:

NM_014991.6(WDFY3):c.7156C>T (p.Arg2386Ter)

Gene: WDFY3 (WD repeat and FYVE domain containing 3; minus strand). Cytogenetic location: 4q21.23.
Variant type: single nucleotide variant.
Coding change: c.7156C>T on transcript NM_014991.6 (MANE Select); coding-DNA position 7156, C replaced by T.
Protein change: p.Arg2386Ter; replaces arginine 2386 with a stop codon.
Molecular consequence: nonsense.
Genome position (GRCh38, 1-based): chr4:84,733,447, G>A on the plus strand (C>T on the coding strand, the complement: WDFY3 is on the minus strand). VCF-style: chr4-84733447-G-A. GRCh37 (hg19) VCF-style: chr4-85654600-G-A.
Other names: short protein forms R2386*.
Identifiers: ClinVar variation 1709678 (VCV001709678.2), dbSNP rs989023195, ClinGen allele CA100706348.

ClinVar aggregate classification (germline): Likely pathogenic (1 of 4 stars; one submission).

Conditions:
Intellectual developmental disorder, autosomal dominant 1. Also called: Intellectual disability, autosomal dominant 1; MBD5 Haploinsufficiency. Identifiers: Orphanet 228402, MedGen C1969562, MONDO:0007974, OMIM 156200.

Allele frequency attached by ClinVar (database versions not stated): gnomAD exomes below 0.00001.

Submission:

MGZ Medical Genetics Center
Classification: Likely pathogenic for Intellectual developmental disorder, autosomal dominant 1. Last evaluated: 2022-08-02. Review status: criteria provided, single submitter. Criteria: ACMG Guidelines, 2015. Collection method: clinical testing. Allele origin: germline. Affected: yes. Observed: 1 variant allele.
Comment: ACMG criteria applied: PVS1, PM2_SUP